The following is an entry in ClinVar:

NM_000535.7(PMS2):c.1015G>C (p.Asp339His)

Gene: PMS2 (PMS1 homolog 2, mismatch repair system component; minus strand). Cytogenetic location: 7p22.1.
Variant type: single nucleotide variant.
Coding change: c.1015G>C on transcript NM_000535.7 (MANE Select); coding-DNA position 1015, G replaced by C.
Protein change: p.Asp339His; replaces aspartic acid 339 with histidine.
Molecular consequence: missense variant. On other transcripts: non-coding transcript variant (1), intron variant (10).
Genome position (GRCh38, 1-based): chr7:5,989,929, C>G on the plus strand (G>C on the coding strand, the complement: PMS2 is on the minus strand). VCF-style: chr7-5989929-C-G. GRCh37 (hg19) VCF-style: chr7-6029560-C-G.
Other names: c.610G>C, p.Asp204His (NM_001018040.1, NM_001322003.2, NM_001322004.2 and 17 more transcripts); c.697G>C, p.Asp233His (NM_001322007.2, NM_001322008.2, NM_001406876.1 and 2 more transcripts); c.82G>C, p.Asp28His (NM_001322011.2, NM_001322012.2); c.706G>C, p.Asp236His (NM_001406875.1, NM_001406877.1, NM_001406878.1 and 5 more transcripts); c.502G>C, p.Asp168His (NM_001406904.1, NM_001406905.1); c.442G>C, p.Asp148His (NM_001406909.1, NM_001322013.2); c.244G>C, p.Asp82His (NM_001406911.1); c.583+2044G>C (NM_001322010.2, NM_001406906.1, NM_001406907.1); and 13 more; short protein forms D204H, D303H, D148H, D217H, D227H, D233H, D236H, D28H.
Identifiers: ClinVar variation 2810860 (VCV002810860.3), dbSNP rs780283029, ClinGen allele CA366742988.

ClinVar aggregate classification (germline): Uncertain significance (1 of 4 stars; one submission).

Conditions:
Hereditary nonpolyposis colorectal neoplasms. Identifiers: MedGen C0009405, MeSH D003123.

Submission:

Labcorp Genetics (formerly Invitae), Labcorp
Classification: Uncertain significance for Hereditary nonpolyposis colorectal neoplasms. Last evaluated: 2022-10-30. Review status: criteria provided, single submitter. Criteria: Invitae Variant Classification Sherloc (09022015). Collection method: clinical testing. Allele origin: germline.
Comment: This variant has not been reported in the literature in individuals affected with PMS2-related conditions. In summary, the available evidence is currently insufficient to determine the role of this variant in disease. Therefore, it has been classified as a Variant of Uncertain Significance. Advanced modeling of protein sequence and biophysical properties (such as structural, functional, and spatial information, amino acid conservation, physicochemical variation, residue mobility, and thermodynamic stability) performed at Invitae indicates that this missense variant is expected to disrupt PMS2 protein function. This variant is not present in population databases (gnomAD no frequency). This sequence change replaces aspartic acid, which is acidic and polar, with histidine, which is basic and polar, at codon 339 of the PMS2 protein (p.Asp339His).